The following is an entry in ClinVar:

NM_000548.5(TSC2):c.1526C>G (p.Thr509Ser)

Gene: TSC2 (TSC complex subunit 2; plus strand). Cytogenetic location: 16p13.3.
Variant type: single nucleotide variant.
Coding change: c.1526C>G on transcript NM_000548.5 (MANE Select); coding-DNA position 1526, C replaced by G.
Protein change: p.Thr509Ser; replaces threonine 509 with serine.
Molecular consequence: missense variant.
Genome position (GRCh38, 1-based): chr16:2,064,354, C>G. VCF-style: chr16-2064354-C-G. GRCh37 (hg19) VCF-style: chr16-2114355-C-G.
Other names: c.1526C>G, p.Thr509Ser (NM_001077183.3, NM_001114382.3, NM_001363528.2 and 3 more transcripts); c.1415C>G, p.Thr472Ser (NM_001318827.2); c.1379C>G, p.Thr460Ser (NM_001318829.2); c.926C>G, p.Thr309Ser (NM_001318831.2); c.1559C>G, p.Thr520Ser (NM_001318832.2); c.1526C>G (NM_000548.3); short protein forms T309S, T460S, T472S, T509S, T520S.
Identifiers: ClinVar variation 1056722 (VCV001056722.12), dbSNP rs2151190252, ClinGen allele CA394326260.

ClinVar aggregate classification (germline): Uncertain significance. Review status: criteria provided, multiple submitters, no conflicts (2 of 4 stars). 3 submissions from 3 submitters: Uncertain significance (3). Last evaluated 2024-02-07.

Conditions:
Hereditary cancer-predisposing syndrome. Also called: Tumor predisposition; Neoplastic Syndromes, Hereditary; Hereditary Cancer Syndrome; Hereditary neoplastic syndrome. Identifiers: Orphanet 140162, MedGen C0027672, MeSH D009386, MONDO:0015356.
Tuberous sclerosis 2 (TSC2). Identifiers: Orphanet 805, MedGen C1860707, MONDO:0013199, OMIM 613254.

Submissions (3):

GeneDx
Classification: Uncertain significance. Last evaluated: 2024-02-07. Review status: criteria provided, single submitter. Criteria: GeneDx Variant Classification Process June 2021. Collection method: clinical testing. Allele origin: germline. Affected: yes.
Comment: Not observed at significant frequency in large population cohorts (gnomAD); In silico analysis supports that this missense variant does not alter protein structure/function; Has not been previously published as pathogenic or benign to our knowledge

Ambry Genetics
Classification: Uncertain significance for Hereditary cancer-predisposing syndrome. Last evaluated: 2023-07-19. Review status: criteria provided, single submitter. Criteria: Ambry Variant Classification Scheme 2023. Collection method: clinical testing. Allele origin: germline.
Comment: The p.T509S variant (also known as c.1526C>G), located in coding exon 14 of the TSC2 gene, results from a C to G substitution at nucleotide position 1526. The threonine at codon 509 is replaced by serine, an amino acid with similar properties. This amino acid position is highly conserved in available vertebrate species. In addition, this alteration is predicted to be deleterious by in silico analysis. Since supporting evidence is limited at this time, the clinical significance of this alteration remains unclear.

Labcorp Genetics (formerly Invitae), Labcorp
Classification: Uncertain significance for Tuberous sclerosis 2. Last evaluated: 2023-02-10. Review status: criteria provided, single submitter. Criteria: Invitae Variant Classification Sherloc (09022015). Collection method: clinical testing. Allele origin: germline.
Comment: This sequence change replaces threonine, which is neutral and polar, with serine, which is neutral and polar, at codon 509 of the TSC2 protein (p.Thr509Ser). This variant is not present in population databases (gnomAD no frequency). In summary, the available evidence is currently insufficient to determine the role of this variant in disease. Therefore, it has been classified as a Variant of Uncertain Significance. Advanced modeling of protein sequence and biophysical properties (such as structural, functional, and spatial information, amino acid conservation, physicochemical variation, residue mobility, and thermodynamic stability) performed at Invitae indicates that this missense variant is not expected to disrupt TSC2 protein function. ClinVar contains an entry for this variant (Variation ID: 1056722). This variant has not been reported in the literature in individuals affected with TSC2-related conditions.